The following is an entry in ClinVar:

ClinVar aggregate classification (germline): Uncertain significance. Review status: criteria provided, multiple submitters, no conflicts (2 of 4 stars). 2 submissions from 2 submitters: Uncertain significance (2). Last evaluated 2026-03-01.

gnomAD v4.1: 18 of 1,612,184 alleles (0.0011%); highest among the groups gnomAD compares: Middle Eastern, 0.016%; no homozygotes.

Submissions (2):

CeGaT Center for Human Genetics Tuebingen
Classification: Uncertain significance. Last evaluated: 2026-03-01. Review status: criteria provided, single submitter. Criteria: CeGaT Center For Human Genetics Tuebingen Variant Classification Criteria Version 2. Collection method: clinical testing. Allele origin: germline. Affected: yes. Observed: 1 variant allele.
Comment: FHOD3: PM2:Supporting, BP4

Blueprint Genetics
Classification: Uncertain significance. Last evaluated: 2024-10-24. Review status: criteria provided, single submitter. Criteria: ACMG Guidelines, 2015. Collection method: clinical testing. Allele origin: germline.

NM_001281740.3(FHOD3):c.3427G>A (p.Ala1143Thr)

Gene: FHOD3 (formin homology 2 domain containing 3; plus strand). Cytogenetic location: 18q12.2.
Variant type: single nucleotide variant.
Coding change: c.3427G>A on transcript NM_001281740.3 (MANE Select); coding-DNA position 3427, G replaced by A.
Protein change: p.Ala1143Thr; replaces alanine 1143 with threonine.
Molecular consequence: missense variant.
Genome position (GRCh38, 1-based): chr18:36,730,655, G>A. VCF-style: chr18-36730655-G-A. GRCh37 (hg19) VCF-style: chr18-34310618-G-A.
Other names: c.2851G>A, p.Ala951Thr (NM_001281739.3); c.2902G>A, p.Ala968Thr (NM_025135.5); short protein forms A1143T, A951T, A968T.
Identifiers: ClinVar variation 4822149 (VCV004822149.5).
Genomic context (GRCh38, chr18:36,730,655, plus strand): 5'-AAGGACCCAAGATGATGCATTAATCTTGGATTCTCCTTTTTTATCACTAAGAAAACTGCT[G>A]CAGATGGAAAAAGGCAAGAGATCATTGTTCTGGATTCCAAGAGGAGTAACGCCATCAATA-3'
Protein context (NP_001268669.1, residues 1133-1153): KELSVSKKTA[Ala1143Thr]DGKRQEIIVL